The following is an entry in ClinVar:

ClinVar aggregate classification (germline): Uncertain significance (1 of 4 stars; one submission).

Conditions:
Inborn genetic diseases. Identifiers: MedGen C0950123, MeSH D030342.

Submission:

Ambry Genetics
Classification: Uncertain significance for Inborn genetic diseases. Last evaluated: 2025-09-13. Review status: criteria provided, single submitter. Criteria: Ambry Variant Classification Scheme 2023. Collection method: clinical testing. Allele origin: germline.
Comment: The p.K659E variant (also known as c.1975A>G), located in coding exon 11 of the FANCM gene, results from an A to G substitution at nucleotide position 1975. The lysine at codon 659 is replaced by glutamic acid, an amino acid with similar properties. This amino acid position is conserved. In addition, this alteration is predicted to be tolerated by in silico analysis. Based on the available evidence, the clinical significance of this variant remains unclear.

NM_020937.4(FANCM):c.1975A>G (p.Lys659Glu)

Gene: FANCM (FA complementation group M; plus strand). Cytogenetic location: 14q21.2.
Variant type: single nucleotide variant.
Coding change: c.1975A>G on transcript NM_020937.4 (MANE Select); coding-DNA position 1975, A replaced by G.
Protein change: p.Lys659Glu; replaces lysine 659 with glutamic acid.
Molecular consequence: missense variant.
Genome position (GRCh38, 1-based): chr14:45,167,136, A>G. VCF-style: chr14-45167136-A-G. GRCh37 (hg19) VCF-style: chr14-45636339-A-G.
Other names: c.1897A>G, p.Lys633Glu (NM_001308133.2); c.1975A>G, p.Lys659Glu (NM_001308134.2); short protein forms K659E, K633E.
Identifiers: ClinVar variation 4254757 (VCV004254757.1).